The following is an entry in ClinVar:

ClinVar aggregate classification (germline): Uncertain significance. Review status: criteria provided, multiple submitters, no conflicts (2 of 4 stars). 3 submissions from 3 submitters: Uncertain significance (3). Last evaluated 2024-11-13.

Conditions:
Inborn genetic diseases. Identifiers: MedGen C0950123, MeSH D030342.

Allele frequency attached by ClinVar (database versions not stated): TOPMed 0.00002; gnomAD exomes 0.00003 and 0.00008; gnomAD 0.00005 and 0.00006; ExAC 0.00006.
gnomAD v4.1: 53 of 1,613,500 alleles (0.0033%); highest among the groups gnomAD compares: Admixed American, 0.02%; no homozygotes.

Submissions (3):

Blueprint Genetics
Classification: Uncertain significance. Last evaluated: 2024-11-13. Review status: criteria provided, single submitter. Criteria: ACMG Guidelines, 2015. Collection method: clinical testing. Allele origin: germline.

Ambry Genetics
Classification: Uncertain significance for Inborn genetic diseases. Last evaluated: 2024-10-01. Review status: criteria provided, single submitter. Criteria: Ambry Variant Classification Scheme 2023. Collection method: clinical testing. Allele origin: germline.

Labcorp Genetics (formerly Invitae), Labcorp
Classification: Uncertain significance. Last evaluated: 2022-08-21. Review status: criteria provided, single submitter. Criteria: Invitae Variant Classification Sherloc (09022015). Collection method: clinical testing. Allele origin: germline.
Comment: This sequence change replaces arginine, which is basic and polar, with glutamine, which is neutral and polar, at codon 248 of the P3H2 protein (p.Arg248Gln). This variant is present in population databases (rs776540365, gnomAD 0.03%). This variant has not been reported in the literature in individuals affected with P3H2-related conditions. ClinVar contains an entry for this variant (Variation ID: 1058532). Algorithms developed to predict the effect of missense changes on protein structure and function (SIFT, PolyPhen-2, Align-GVGD) all suggest that this variant is likely to be tolerated. In summary, the available evidence is currently insufficient to determine the role of this variant in disease. Therefore, it has been classified as a Variant of Uncertain Significance.

NM_018192.4(P3H2):c.743G>A (p.Arg248Gln)

Gene: P3H2 (prolyl 3-hydroxylase 2; minus strand). Cytogenetic location: 3q28.
Variant type: single nucleotide variant.
Coding change: c.743G>A on transcript NM_018192.4 (MANE Select); coding-DNA position 743, G replaced by A.
Protein change: p.Arg248Gln; replaces arginine 248 with glutamine.
Molecular consequence: missense variant.
Genome position (GRCh38, 1-based): chr3:189,994,174, C>T on the plus strand (G>A on the coding strand, the complement: P3H2 is on the minus strand). VCF-style: chr3-189994174-C-T. GRCh37 (hg19) VCF-style: chr3-189711963-C-T.
Other names: c.200G>A, p.Arg67Gln (NM_001134418.2); c.743G>A (NM_018192.3); short protein forms R248Q, R67Q.
Identifiers: ClinVar variation 1058532 (VCV001058532.4), dbSNP rs776540365, ClinGen allele CA2753228.